The following is an entry in ClinVar:

NM_015272.5(RPGRIP1L):c.2360G>C (p.Gly787Ala)

Gene: RPGRIP1L (RPGRIP1 like; minus strand). Cytogenetic location: 16q12.2.
Variant type: single nucleotide variant.
Coding change: c.2360G>C on transcript NM_015272.5 (MANE Select); coding-DNA position 2360, G replaced by C.
Protein change: p.Gly787Ala; replaces glycine 787 with alanine.
Molecular consequence: missense variant.
Genome position (GRCh38, 1-based): chr16:53,645,948, C>G on the plus strand (G>C on the coding strand, the complement: RPGRIP1L is on the minus strand). VCF-style: chr16-53645948-C-G. GRCh37 (hg19) VCF-style: chr16-53679860-C-G.
Other names: c.2360G>C, p.Gly787Ala (NM_001127897.4, NM_001308334.3, NM_001330538.2); short protein forms G787A.
Identifiers: ClinVar variation 1491275 (VCV001491275.6), dbSNP rs996587890, ClinGen allele CA281339513.

ClinVar aggregate classification (germline): Uncertain significance (1 of 4 stars; one submission).

Conditions:
Meckel-Gruber syndrome. Also called: DYSENCEPHALIA SPLANCHNOCYSTICA; GRUBER SYNDROME; Dysencephalia splachnocystica. Identifiers: Orphanet 564, MedGen C0265215, MONDO:0018921.
Joubert syndrome. Also called: CEREBELLOPARENCHYMAL DISORDER IV; JOUBERT-BOLTSHAUSER SYNDROME; Familial aplasia of the vermis. Identifiers: Orphanet 475, MedGen C5979921, MONDO:0018772.

Submission:

Labcorp Genetics (formerly Invitae), Labcorp
Classification: Uncertain significance for Joubert syndrome; Meckel-Gruber syndrome. Last evaluated: 2024-02-23. Review status: criteria provided, single submitter. Criteria: Invitae Variant Classification Sherloc (09022015). Collection method: clinical testing. Allele origin: germline.
Comment: This sequence change replaces glycine, which is neutral and non-polar, with alanine, which is neutral and non-polar, at codon 787 of the RPGRIP1L protein (p.Gly787Ala). This variant is not present in population databases (gnomAD no frequency). This variant has not been reported in the literature in individuals affected with RPGRIP1L-related conditions. ClinVar contains an entry for this variant (Variation ID: 1491275). Advanced modeling of protein sequence and biophysical properties (such as structural, functional, and spatial information, amino acid conservation, physicochemical variation, residue mobility, and thermodynamic stability) performed at Invitae indicates that this missense variant is not expected to disrupt RPGRIP1L protein function with a negative predictive value of 80%. In summary, the available evidence is currently insufficient to determine the role of this variant in disease. Therefore, it has been classified as a Variant of Uncertain Significance.